The following is an entry in ClinVar:

NM_001999.4(FBN2):c.6118A>G (p.Arg2040Gly)

Gene: FBN2 (fibrillin 2; minus strand). Cytogenetic location: 5q23.3.
Variant type: single nucleotide variant.
Coding change: c.6118A>G on transcript NM_001999.4 (MANE Select); coding-DNA position 6118, A replaced by G.
Protein change: p.Arg2040Gly; replaces arginine 2040 with glycine.
Molecular consequence: missense variant.
Genome position (GRCh38, 1-based): chr5:128,300,865, T>C on the plus strand (A>G on the coding strand, the complement: FBN2 is on the minus strand). VCF-style: chr5-128300865-T-C. GRCh37 (hg19) VCF-style: chr5-127636557-T-C.
Other names: short protein forms R2040G.
Identifiers: ClinVar variation 263464 (VCV000263464.8), dbSNP rs886038814, ClinGen allele CA10587605.

ClinVar aggregate classification (germline): Uncertain significance. Review status: criteria provided, multiple submitters, no conflicts (2 of 4 stars). 2 submissions from 2 submitters: Uncertain significance (2). Last evaluated 2022-01-21.

Conditions:
Cardiovascular phenotype. Identifiers: MedGen CN230736.
Congenital contractural arachnodactyly (CCA). Also called: BEALS SYNDROME; Beals-Hecht syndrome; Arthrogryposis, distal, type 9. Identifiers: Orphanet 115, MedGen C0220668, MONDO:0007363, OMIM 121050.

Submissions (2):

Labcorp Genetics (formerly Invitae), Labcorp
Classification: Uncertain significance for Congenital contractural arachnodactyly. Last evaluated: 2022-01-21. Review status: criteria provided, single submitter. Criteria: Invitae Variant Classification Sherloc (09022015). Collection method: clinical testing. Allele origin: germline.
Comment: ClinVar contains an entry for this variant (Variation ID: 263464). In summary, the available evidence is currently insufficient to determine the role of this variant in disease. Therefore, it has been classified as a Variant of Uncertain Significance. Advanced modeling of protein sequence and biophysical properties (such as structural, functional, and spatial information, amino acid conservation, physicochemical variation, residue mobility, and thermodynamic stability) performed at Invitae indicates that this missense variant is expected to disrupt FBN2 protein function. This variant has not been reported in the literature in individuals affected with FBN2-related conditions. This variant is not present in population databases (gnomAD no frequency). This sequence change replaces arginine, which is basic and polar, with glycine, which is neutral and non-polar, at codon 2040 of the FBN2 protein (p.Arg2040Gly).

Ambry Genetics
Classification: Uncertain significance for Cardiovascular phenotype. Last evaluated: 2017-06-26. Review status: criteria provided, single submitter. Criteria: Ambry Autosomal Dominant and X-Linked criteria (3/2017). Collection method: clinical testing. Allele origin: germline. Observed: 1 variant allele.
Comment: The p.R2040G variant (also known as c.6118A>G), located in coding exon 48 of the FBN2 gene, results from an A to G substitution at nucleotide position 6118. The arginine at codon 2040 is replaced by glycine, an amino acid with dissimilar properties. This amino acid position is highly conserved in available vertebrate species. In addition, this alteration is predicted to be deleterious by in silico analysis. Since supporting evidence is limited at this time, the clinical significance of this alteration remains unclear.